The following is an entry in ClinVar:

NM_000059.4(BRCA2):c.125_132dup (p.Glu45fs)

Gene: BRCA2 (BRCA2 DNA repair associated; plus strand). Cytogenetic location: 13q13.1.
Variant type: Duplication.
Coding change: c.125_132dup on transcript NM_000059.4 (MANE Select); coding-DNA positions 125 to 132, 8 bases duplicated (ATAATTCT; older notation c.125_132dupATAATTCT).
Protein change: p.Glu45fs; shifts the reading frame from glutamic acid 45.
Molecular consequence: frameshift variant.
Genome position (GRCh38, 1-based): chr13:32,319,134-32,319,141, ATAATTCT duplicated; duplicating any 8 consecutive bases within chr13:32,319,132-32,319,141 gives the same sequence; the c. name uses the placement nearest the transcript's 3' end. VCF-style (leftmost placement, unchanged base first): chr13-32319131-C-CCTATAATT. GRCh37 (hg19) VCF-style: chr13-32893268-C-CCTATAATT.
Other names: c.125_132dupATAATTCT (NM_000059.3); short protein forms E45fs.
Identifiers: ClinVar variation 422823 (VCV000422823.13), dbSNP rs483353112, ClinGen allele CA16619636.

ClinVar aggregate classification (germline): Pathogenic. Review status: reviewed by expert panel (3 of 4 stars). 6 submissions from 6 submitters: Pathogenic (1). 5 of the submissions do not count toward it. Last evaluated 2017-12-15.

Conditions:
Hereditary cancer-predisposing syndrome. Also called: Hereditary neoplastic syndrome; Hereditary Cancer Syndrome; Neoplastic Syndromes, Hereditary; Tumor predisposition. Identifiers: Orphanet 140162, MedGen C0027672, MeSH D009386, MONDO:0015356.
Breast-ovarian cancer, familial, susceptibility to, 2 (BROVCA2). Also called: BRCA2 Hereditary Breast and Ovarian Cancer. Identifiers: Orphanet 145, MedGen C2675520, MONDO:0012933, OMIM 612555. Disease mechanism: loss of function.
Hereditary breast ovarian cancer syndrome. Also called: Hereditary breast and ovarian cancer syndrome; BRCA1- and BRCA2-Associated Hereditary Breast and Ovarian Cancer; Hereditary breast and/or ovarian cancer syndrome; Hereditary breast and ovarian cancer; Breast and ovarian cancer; Hereditary breast and ovarian cancer syndrome (HBOC). Identifiers: Orphanet 145, MedGen C0677776, MeSH D061325, MONDO:0003582. Disease mechanism: loss of function.

Submissions (6):

Evidence-based Network for the Interpretation of Germline Mutant Alleles (ENIGMA)
Classification: Pathogenic for Breast-ovarian cancer, familial, susceptibility to, 2. Last evaluated: 2017-12-15. Review status: reviewed by expert panel. Criteria: ENIGMA BRCA1/2 Classification Criteria (2017-06-29). Collection method: curation. Allele origin: germline. Study: ENIGMA.
Comment: Variant allele predicted to encode a truncated non-functional protein.

Labcorp Genetics (formerly Invitae), Labcorp
Classification: Pathogenic for Hereditary breast ovarian cancer syndrome. Last evaluated: 2025-08-04. Review status: criteria provided, single submitter. Criteria: Invitae Variant Classification Sherloc (09022015). Collection method: clinical testing. Allele origin: germline. Not counted in ClinVar's aggregate classification.
Comment: This sequence change creates a premature translational stop signal (p.Glu45Ilefs*38) in the BRCA2 gene. It is expected to result in an absent or disrupted protein product. Loss-of-function variants in BRCA2 are known to be pathogenic (PMID: 20104584). This variant is not present in population databases (gnomAD no frequency). This variant has not been reported in the literature in individuals affected with BRCA2-related conditions. ClinVar contains an entry for this variant (Variation ID: 422823). Algorithms developed to predict the effect of sequence changes on RNA splicing suggest that this variant may disrupt the consensus splice site. For these reasons, this variant has been classified as Pathogenic.

GeneDx
Classification: Pathogenic. Last evaluated: 2025-07-15. Review status: criteria provided, single submitter. Criteria: GeneDx Variant Classification Process June 2021. Collection method: clinical testing. Allele origin: germline. Affected: yes. Not counted in ClinVar's aggregate classification.
Comment: Frameshift variant predicted to result in protein truncation or nonsense mediated decay in a gene for which loss of function is a known mechanism of disease; Truncating variants in this gene are considered pathogenic by a well-established clinical consortium and/or database; Has not been previously published as pathogenic or benign to our knowledge; Also known as 353_360dupATAATTCT; This variant is associated with the following publications: (PMID: 20104584)

Ambry Genetics
Classification: Pathogenic for Hereditary cancer-predisposing syndrome. Last evaluated: 2024-09-03. Review status: criteria provided, single submitter. Criteria: Ambry Variant Classification Scheme 2023. Collection method: clinical testing. Allele origin: germline. Not counted in ClinVar's aggregate classification.
Comment: The c.125_132dupATAATTCT pathogenic mutation, located in coding exon 2 of the BRCA2 gene, results from a duplication of ATAATTCT at nucleotide position 125, causing a translational frameshift with a predicted alternate stop codon (p.E45Ifs*38). This variant is considered to be rare based on population cohorts in the Genome Aggregation Database (gnomAD). This alteration is expected to result in loss of function by premature protein truncation or nonsense-mediated mRNA decay. As such, this alteration is interpreted as a disease-causing mutation.

Quest Diagnostics Nichols Institute San Juan Capistrano
Classification: Likely pathogenic. Last evaluated: 2023-08-01. Review status: criteria provided, single submitter. Criteria: Quest Diagnostics criteria. Collection method: clinical testing. Allele origin: unknown. Not counted in ClinVar's aggregate classification.
Comment: This variant alters the translational reading frame of the BRCA2 mRNA and is predicted to cause the premature termination of BRCA2 protein synthesis. This variant has not been reported in the published literature. It also has not been reported in large, multi-ethnic general populations (Genome Aggregation Database). Based on the available information, this variant is classified as likely pathogenic.

Women's Health and Genetics/Laboratory Corporation of America, LabCorp
Classification: Likely pathogenic for Hereditary breast and ovarian cancer syndrome. Last evaluated: 2019-12-15. Review status: criteria provided, single submitter. Criteria: LabCorp Variant Classification Summary - May 2015. Collection method: clinical testing. Allele origin: germline. Not counted in ClinVar's aggregate classification.
Comment: Variant summary: BRCA2 c.125_132dupATAATTCT (p.Glu45IlefsX38) results in a premature termination codon, predicted to cause a truncation of the encoded protein or absence of the protein due to nonsense mediated decay, which are commonly known mechanisms for disease. Truncations downstream of this position have been classified as pathogenic by our laboratory. The variant was absent in 251264 control chromosomes. To our knowledge, no occurrence of c.125_132dupATAATTCT in individuals affected with Hereditary Breast and Ovarian Cancer and no experimental evidence demonstrating its impact on protein function have been reported. One clinical diagnostic laboratory and one expert panel (ENIGMA) have submitted clinical-significance assessments for this variant to ClinVar after 2014 without evidence for independent evaluation. Both submitters classified the variant as pathogenic while one of them also acknolwedges the lack of published evidence in affected individuals. Based on the evidence outlined above, the variant was classified as likely pathogenic.

Literature cited by the submitters: PubMed 20104584 (cited by Labcorp Genetics (formerly Invitae), Labcorp and Quest Diagnostics Nichols Institute San Juan Capistrano).